The following is an entry in ClinVar:

ClinVar aggregate classification (germline): Uncertain significance (1 of 4 stars; one submission).

Conditions:
Hereditary cancer-predisposing syndrome. Also called: Neoplastic Syndromes, Hereditary; Tumor predisposition; Hereditary neoplastic syndrome; Hereditary Cancer Syndrome. Identifiers: Orphanet 140162, MedGen C0027672, MeSH D009386, MONDO:0015356.

Submission:

Ambry Genetics
Classification: Uncertain significance for Hereditary cancer-predisposing syndrome. Last evaluated: 2024-01-31. Review status: criteria provided, single submitter. Criteria: Ambry Variant Classification Scheme 2023. Collection method: clinical testing. Allele origin: germline.
Comment: The p.T188A variant (also known as c.562A>G), located in coding exon 6 of the POLE gene, results from an A to G substitution at nucleotide position 562. The threonine at codon 188 is replaced by alanine, an amino acid with similar properties. This amino acid position is conserved. In addition, this alteration is predicted to be tolerated by in silico analysis. Based on the available evidence, the clinical significance of this alteration remains unclear.

NM_006231.4(POLE):c.562A>G (p.Thr188Ala)

Gene: POLE (DNA polymerase epsilon, catalytic subunit; minus strand). Cytogenetic location: 12q24.33.
Variant type: single nucleotide variant.
Coding change: c.562A>G on transcript NM_006231.4 (MANE Select); coding-DNA position 562, A replaced by G.
Protein change: p.Thr188Ala; replaces threonine 188 with alanine.
Molecular consequence: missense variant.
Genome position (GRCh38, 1-based): chr12:132,679,513, T>C on the plus strand (A>G on the coding strand, the complement: POLE is on the minus strand). VCF-style: chr12-132679513-T-C. GRCh37 (hg19) VCF-style: chr12-133256099-T-C.
Other names: short protein forms T188A.
Identifiers: ClinVar variation 3225486 (VCV003225486.1), dbSNP rs2542187991, ClinGen allele CA387366688.